The following is an entry in ClinVar:

ClinVar aggregate classification (germline): Uncertain significance. Review status: criteria provided, multiple submitters, no conflicts (2 of 4 stars). 3 submissions from 3 submitters: Uncertain significance (3). Last evaluated 2025-09-11.

Conditions:
Hereditary cancer-predisposing syndrome. Also called: Hereditary neoplastic syndrome; Tumor predisposition; Neoplastic Syndromes, Hereditary; Hereditary Cancer Syndrome. Identifiers: Orphanet 140162, MedGen C0027672, MeSH D009386, MONDO:0015356.
Classic or attenuated familial adenomatous polyposis. Identifiers: MedGen CN372698, MONDO:0021057.
Familial adenomatous polyposis 1 (FAP1). Also called: FAMILIAL ADENOMATOUS POLYPOSIS 1, ATTENUATED; POLYPOSIS, ADENOMATOUS INTESTINAL. Identifiers: MedGen C2713442, MONDO:0021056, OMIM 175100. Disease mechanism: loss of function.

gnomAD v4.1: 5 of 1,612,826 alleles (0.00031%); highest among the groups gnomAD compares: Non-Finnish European, 0.00042%; no homozygotes.

Submissions (3):

Ambry Genetics
Classification: Uncertain significance for Hereditary cancer-predisposing syndrome. Last evaluated: 2025-09-11. Review status: criteria provided, single submitter. Criteria: Ambry Variant Classification Scheme 2023. Collection method: clinical testing. Allele origin: germline.
Comment: The p.I231V variant (also known as c.691A>G), located in coding exon 6 of the APC gene, results from an A to G substitution at nucleotide position 691. The isoleucine at codon 231 is replaced by valine, an amino acid with highly similar properties. This amino acid position is highly conserved in available vertebrate species. In addition, in silico predictors for this gene do not accurately predict pathogenicity. Based on the available evidence, the clinical significance of this variant remains unclear.

Labcorp Genetics (formerly Invitae), Labcorp
Classification: Uncertain significance for Familial adenomatous polyposis 1. Last evaluated: 2025-04-11. Review status: criteria provided, single submitter. Criteria: Invitae Variant Classification Sherloc (09022015). Collection method: clinical testing. Allele origin: germline.
Comment: This sequence change replaces isoleucine, which is neutral and non-polar, with valine, which is neutral and non-polar, at codon 231 of the APC protein (p.Ile231Val). This variant is not present in population databases (gnomAD no frequency). This variant has not been reported in the literature in individuals affected with APC-related conditions. ClinVar contains an entry for this variant (Variation ID: 1501923). Invitae Evidence Modeling of protein sequence and biophysical properties (such as structural, functional, and spatial information, amino acid conservation, physicochemical variation, residue mobility, and thermodynamic stability) indicates that this missense variant is not expected to disrupt APC protein function with a negative predictive value of 95%. In summary, the available evidence is currently insufficient to determine the role of this variant in disease. Therefore, it has been classified as a Variant of Uncertain Significance.

All of Us Research Program, National Institutes of Health
Classification: Uncertain significance for Classic or attenuated familial adenomatous polyposis. Last evaluated: 2023-10-02. Review status: criteria provided, single submitter. Criteria: ACMG Guidelines, 2015. Collection method: clinical testing. Allele origin: germline. Inheritance: Autosomal dominant inheritance. Observed: 1 variant allele, 1 heterozygote.
Comment: This missense variant replaces isoleucine with valine at codon 231 of the APC protein. Computational prediction suggests that this variant may not impact protein structure and function (internally defined REVEL score threshold <= 0.5, PMID: 27666373). To our knowledge, functional studies have not been reported for this variant. This variant has not been reported in individuals affected with APC-related disorders in the literature. This variant has not been identified in the general population by the Genome Aggregation Database (gnomAD). The available evidence is insufficient to determine the role of this variant in disease conclusively. Therefore, this variant is classified as a Variant of Uncertain Significance.

This study involves interpretation of variants in research participants for the purpose of population health screening. Participant phenotype was not available at the time of variant classification. Additional details can be found in publication PMID: 35346344, PMCID: PMC8962531

NM_000038.6(APC):c.691A>G (p.Ile231Val)

Gene: APC (APC regulator of Wnt signaling pathway; plus strand). Cytogenetic location: 5q22.2.
Variant type: single nucleotide variant.
Coding change: c.691A>G on transcript NM_000038.6 (MANE Select); coding-DNA position 691, A replaced by G.
Protein change: p.Ile231Val; replaces isoleucine 231 with valine.
Molecular consequence: missense variant. On other transcripts: 5 prime UTR variant (1), intron variant (2).
Genome position (GRCh38, 1-based): chr5:112,792,491, A>G. VCF-style: chr5-112792491-A-G. GRCh37 (hg19) VCF-style: chr5-112128188-A-G.
Other names: c.691A>G (NM_000038.5); c.691A>G, p.Ile231Val (NM_001127510.3, NM_001354895.2, NM_001354896.2 and 1 more transcripts); c.721A>G, p.Ile241Val (NM_001354897.2, NM_001354902.2); c.616A>G, p.Ile206Val (NM_001354898.2, NM_001354904.2); c.514A>G, p.Ile172Val (NM_001354900.2, NM_001354901.2, NM_001354905.2); c.-345A>G (NM_001354906.2); c.676-8788A>G (NM_001127511.3); c.646-8788A>G (NM_001354899.2); short protein forms I231V, I206V, I241V, I172V.
Identifiers: ClinVar variation 1501923 (VCV001501923.8), dbSNP rs2149684491, ClinGen allele CA16022847.